The following is an entry in ClinVar:

NM_003242.6(TGFBR2):c.1335C>G (p.Thr445=)

Gene: TGFBR2 (transforming growth factor beta receptor 2; plus strand). Cytogenetic location: 3p24.1.
Variant type: single nucleotide variant.
Coding change: c.1335C>G on transcript NM_003242.6 (MANE Select); coding-DNA position 1335, C replaced by G.
Protein change: p.Thr445=; no amino-acid change (threonine 445 retained).
Molecular consequence: synonymous variant. On other transcripts: intron variant (1).
Genome position (GRCh38, 1-based): chr3:30,674,185, C>G. VCF-style: chr3-30674185-C-G. GRCh37 (hg19) VCF-style: chr3-30715677-C-G.
Other names: c.1410C>G, p.Thr470= (NM_001024847.3); c.1518C>G, p.Thr506= (NM_001407126.1); c.1443C>G, p.Thr481= (NM_001407127.1); c.1362C>G, p.Thr454= (NM_001407128.1); c.1338C>G, p.Thr446= (NM_001407129.1); c.1335C>G, p.Thr445= (NM_001407130.1); c.1230C>G, p.Thr410= (NM_001407132.1, NM_001407133.1, NM_001407134.1 and 2 more transcripts); c.1050C>G, p.Thr350= (NM_001407137.1); and 2 more.
Identifiers: ClinVar variation 3069901 (VCV003069901.2), dbSNP rs546058122, ClinGen allele CA046357.
Genomic context (GRCh38, chr3:30,674,185, plus strand): 5'-GGCTCCAGAAGTCCTAGAATCCAGGATGAATTTGGAGAATGTTGAGTCCTTCAAGCAGAC[C>G]GATGTCTACTCCATGGCTCTGGTGCTCTGGGAAATGACATCTCGCTGTAATGCAGTGGGA-3'
Protein context (NP_003233.4, residues 435-455): NLENVESFKQ[Thr445=]DVYSMALVLW

ClinVar aggregate classification (germline): Likely benign. Review status: criteria provided, multiple submitters, no conflicts (2 of 4 stars). 2 submissions from 2 submitters: Likely benign (2). Last evaluated 2023-03-23.

Conditions:
Loeys-Dietz syndrome 2 (LDS2). Also called: AORTIC ANEURYSM, FAMILIAL THORACIC 3; MARFAN SYNDROME, TYPE II; Marfan syndrome, type 2 (formerly); TGFBR2-Related Loeys-Dietz Syndrome; Marfan Syndrome type 2; Marfan like connective tissue disorder. Identifiers: Orphanet 284973, Orphanet 558, MedGen C2674574, MONDO:0012427, OMIM 610168.
Familial thoracic aortic aneurysm and aortic dissection (TAAD). Also called: Thoracic aortic aneurysms and dissections. Identifiers: Orphanet 91387, MedGen C4707243, MONDO:0019625.

Allele frequency attached by ClinVar (database versions not stated): gnomAD 0.00001.

Submissions (2):

All of Us Research Program, National Institutes of Health
Classification: Likely benign for Loeys-Dietz syndrome 2. Last evaluated: 2023-03-23. Review status: criteria provided, single submitter. Criteria: ACMG Guidelines, 2015. Collection method: clinical testing. Allele origin: germline. Inheritance: Autosomal dominant inheritance. Observed: 1 variant allele, 1 heterozygote.
Comment: This study involves interpretation of variants in research participants for the purpose of population health screening. Participant phenotype was not available at the time of variant classification. Additional details can be found in publication PMID: 35346344, PMCID: PMC8962531

Color Diagnostics, LLC DBA Color Health
Classification: Likely benign for Familial thoracic aortic aneurysm and aortic dissection. Last evaluated: 2022-11-06. Review status: criteria provided, single submitter. Criteria: ACMG Guidelines, 2015. Collection method: clinical testing. Allele origin: germline.